The following is an entry in ClinVar:

NM_032575.3(GLIS2):c.570_584del (p.Asn190_Val194del)

Gene: GLIS2 (GLIS family zinc finger 2; plus strand). Cytogenetic location: 16p13.3.
Variant type: Deletion.
Coding change: c.570_584del on transcript NM_032575.3 (MANE Select); coding-DNA positions 570 to 584, 15 bases deleted (CGATTACCATGTCAA).
Protein change: p.Asn190_Val194del.
Molecular consequence: inframe deletion.
Genome position (GRCh38, 1-based): chr16:4,335,107-4,335,121, CGATTACCATGTCAA deleted; deleting any 15 consecutive bases within chr16:4,335,097-4,335,121 gives the same sequence; the c. name uses the placement nearest the transcript's 3' end. VCF-style (leftmost placement, unchanged base first): chr16-4335096-GACCATGTCAACGATT-G. GRCh37 (hg19) VCF-style: chr16-4385097-GACCATGTCAACGATT-G.
Other names: c.560_574del (NM_032575.3); c.570_584del, p.Asn190_Val194del (NM_001318918.2); c.560_574delACCATGTCAACGATT (NM_032575.3).
Identifiers: ClinVar variation 1299703 (VCV001299703.4), dbSNP rs2141132961, ClinGen allele CA2499223528.
Genomic context (GRCh38, chr16:4,335,096, plus strand): 5'-CAGAACACTTCCCATCCTCCGCAGTGTAACCAGCTCTTTGAGCTCCTGCAAGACCTGGTG[GACCATGTCAACGATT>G]ACCATGTCAAGCCCGAGAAGGATGCGGGGTACTGCTGCCACTGGGAGGGCTGCGCCCGCC-3'

ClinVar aggregate classification (germline): Conflicting classifications of pathogenicity. Review status: no assertion criteria provided (0 of 4 stars). 2 submissions from 2 submitters: Pathogenic (1); Uncertain significance (1). Last evaluated 2024-02-23.

Conditions:
Nephronophthisis 7 (NPHP7). Identifiers: Orphanet 655, MedGen C1969092, MONDO:0012680, OMIM 611498.

Submissions (2):

OMIM
Classification: Uncertain significance for VARIANT OF UNKNOWN SIGNIFICANCE. Last evaluated: 2024-02-23. Review status: no assertion criteria provided. Collection method: literature only. Allele origin: germline.

Sayer Lab, Translational and Clinical Research Institute, Newcastle Unversity
Classification: Pathogenic for Nephronophthisis 7. Last evaluated: 2021-10-02. Review status: no assertion criteria provided. Collection method: research. Allele origin: inherited. Inheritance: Autosomal recessive inheritance. Affected: yes. Observed: 1 homozygote.
Comment: A novel homozygous in-frame deletion (NM_032575.3: c.560_574delACCATGTCAACGATT, p.H188_Y192del) in GLIS2 gene in a consanguineous family. The five amino acid deletion disrupts the alpha-helix of GLIS2 zinc-finger motif with predicted misfolding of the protein leading to its predicted pathogenicity.

Literature cited by the submitters: PubMed 34917135 (cited by OMIM).